The following is an entry in ClinVar:

ClinVar aggregate classification (germline): Uncertain significance (1 of 4 stars; one submission).

Conditions:
COL4A1-related disorder. Also called: COL4A1-related condition; COL4A1-related disorders. Identifiers: MedGen CN376119, MONDO:0800461.

gnomAD v4.1: 1 of 1,614,116 alleles (0.000062%); highest among the groups gnomAD compares: Non-Finnish European, 0.000085%; no homozygotes.

Submission:

PreventionGenetics, part of Exact Sciences
Classification: Uncertain significance for COL4A1-related condition. Last evaluated: 2024-12-18. Review status: criteria provided, single submitter. Criteria: ACMG Guidelines, 2015. Collection method: clinical testing. Allele origin: germline.
Comment: The COL4A1 c.947A>C variant is predicted to result in the amino acid substitution p.Gln316Pro. To our knowledge, this variant has not been reported in the literature or in a large population database (gnomAD), indicating this variant is rare. At this time, the clinical significance of this variant is uncertain due to the absence of conclusive functional and genetic evidence.

NM_001845.6(COL4A1):c.947A>C (p.Gln316Pro)

Gene: COL4A1 (collagen type IV alpha 1 chain; minus strand). Cytogenetic location: 13q34.
Variant type: single nucleotide variant.
Coding change: c.947A>C on transcript NM_001845.6 (MANE Select); coding-DNA position 947, A replaced by C.
Protein change: p.Gln316Pro; replaces glutamine 316 with proline.
Molecular consequence: missense variant.
Genome position (GRCh38, 1-based): chr13:110,205,363, T>G on the plus strand (A>C on the coding strand, the complement: COL4A1 is on the minus strand). VCF-style: chr13-110205363-T-G. GRCh37 (hg19) VCF-style: chr13-110857710-T-G.
Other names: c.947A>C, p.Gln316Pro (NM_001303110.2); short protein forms Q316P.
Identifiers: ClinVar variation 4999361 (VCV004999361.1).